The following is an entry in ClinVar:

NM_020699.4(GATAD2B):c.529G>A (p.Glu177Lys)

Gene: GATAD2B (GATA zinc finger domain containing 2B; minus strand). Cytogenetic location: 1q21.3.
Variant type: single nucleotide variant.
Coding change: c.529G>A on transcript NM_020699.4 (MANE Select); coding-DNA position 529, G replaced by A.
Protein change: p.Glu177Lys; replaces glutamic acid 177 with lysine.
Molecular consequence: missense variant.
Genome position (GRCh38, 1-based): chr1:153,818,859, C>T on the plus strand (G>A on the coding strand, the complement: GATAD2B is on the minus strand). VCF-style: chr1-153818859-C-T. GRCh37 (hg19) VCF-style: chr1-153791335-C-T.
Other names: short protein forms E177K.
Identifiers: ClinVar variation 3906418 (VCV003906418.1).

ClinVar aggregate classification (germline): Uncertain significance (1 of 4 stars; one submission).

Submission:

GeneDx
Classification: Uncertain significance. Last evaluated: 2024-12-21. Review status: criteria provided, single submitter. Criteria: GeneDx Variant Classification Process June 2021. Collection method: clinical testing. Allele origin: germline. Affected: yes.
Comment: Not observed at significant frequency in large population cohorts (gnomAD); In silico analysis supports that this missense variant has a deleterious effect on protein structure/function; Has not been previously published as pathogenic or benign to our knowledge